The following is an entry in ClinVar:

ClinVar aggregate classification (germline): Uncertain significance (1 of 4 stars; one submission).

Conditions:
Arrhythmogenic cardiomyopathy with wooly hair and keratoderma. Also called: PALMOPLANTAR KERATODERMA WITH LEFT VENTRICULAR CARDIOMYOPATHY AND WOOLLY HAIR; Carvajal syndrome; Dilated cardiomyopathy with woolly hair and keratoderma; Arrhythmogenic cardiomyopathy with woolly hair and keratoderma. Identifiers: Orphanet 65282, MedGen C1854063, MONDO:0011581, OMIM 605676.

Allele frequency attached by ClinVar (database versions not stated): gnomAD exomes below 0.00001; gnomAD 0.00001; TOPMed 0.00001.
gnomAD v4.1: 2 of 1,613,814 alleles (0.00012%); highest among the groups gnomAD compares: Non-Finnish European, 0.00017%; no homozygotes.

Submission:

All of Us Research Program, National Institutes of Health
Classification: Uncertain significance for Arrhythmogenic cardiomyopathy with wooly hair and keratoderma. Last evaluated: 2023-06-08. Review status: criteria provided, single submitter. Criteria: ACMG Guidelines, 2015. Collection method: clinical testing. Allele origin: germline. Inheritance: Autosomal dominant inheritance. Observed: 1 variant allele, 1 heterozygote.
Comment: This missense variant replaces isoleucine with threonine at codon 555 of the DSP protein. Computational prediction suggests that this variant may not impact protein structure and function (internally defined REVEL score threshold <= 0.5, PMID: 27666373). To our knowledge, functional studies have not been reported for this variant. This variant has not been reported in individuals affected with DSP-related disorders in the literature. This variant has been identified in 1/251272 chromosomes in the general population by the Genome Aggregation Database (gnomAD). The available evidence is insufficient to determine the role of this variant in disease conclusively. Therefore, this variant is classified as a Variant of Uncertain Significance.

This study involves interpretation of variants in research participants for the purpose of population health screening. Participant phenotype was not available at the time of variant classification. Additional details can be found in publication PMID: 35346344, PMCID: PMC8962531

NM_004415.4(DSP):c.1664T>C (p.Ile555Thr)

Gene: DSP (desmoplakin; plus strand). Cytogenetic location: 6p24.3.
Variant type: single nucleotide variant.
Coding change: c.1664T>C on transcript NM_004415.4 (MANE Select); coding-DNA position 1664, T replaced by C.
Protein change: p.Ile555Thr; replaces isoleucine 555 with threonine.
Molecular consequence: missense variant.
Genome position (GRCh38, 1-based): chr6:7,570,526, T>C. VCF-style: chr6-7570526-T-C. GRCh37 (hg19) VCF-style: chr6-7570759-T-C.
Other names: c.1664T>C, p.Ile555Thr (NM_001008844.3, NM_001319034.2); short protein forms I555T.
Identifiers: ClinVar variation 3071490 (VCV003071490.1), dbSNP rs1459328209, ClinGen allele CA362678373.